The following is an entry in ClinVar:

ClinVar aggregate classification (germline): Conflicting classifications of pathogenicity. Review status: criteria provided, conflicting classifications (1 of 4 stars). 3 submissions from 3 submitters: Uncertain significance (2); Likely benign (1). Last evaluated 2025-10-23.

Conditions:
Hereditary breast ovarian cancer syndrome. Also called: Breast and ovarian cancer; BRCA1- and BRCA2-Associated Hereditary Breast and Ovarian Cancer; Hereditary breast and ovarian cancer; Hereditary breast and/or ovarian cancer syndrome; Hereditary breast and ovarian cancer syndrome; Hereditary breast and ovarian cancer syndrome (HBOC). Identifiers: Orphanet 145, MedGen C0677776, MeSH D061325, MONDO:0003582. Disease mechanism: loss of function.
Hereditary cancer-predisposing syndrome. Also called: Neoplastic Syndromes, Hereditary; Tumor predisposition; Hereditary Cancer Syndrome; Hereditary neoplastic syndrome. Identifiers: Orphanet 140162, MedGen C0027672, MeSH D009386, MONDO:0015356.

gnomAD v4.1: 3 of 1,614,110 alleles (0.00019%); highest among the groups gnomAD compares: Non-Finnish European, 0.00025%; no homozygotes.

Submissions (3):

Labcorp Genetics (formerly Invitae), Labcorp
Classification: Uncertain significance for Hereditary breast ovarian cancer syndrome. Last evaluated: 2025-10-23. Review status: criteria provided, single submitter. Criteria: Invitae Variant Classification Sherloc (09022015). Collection method: clinical testing. Allele origin: germline.
Comment: This sequence change replaces asparagine, which is neutral and polar, with threonine, which is neutral and polar, at codon 473 of the BRCA1 protein (p.Asn473Thr). This variant is present in population databases (no rsID available, gnomAD 0.0009%). This variant has not been reported in the literature in individuals affected with BRCA1-related conditions. ClinVar contains an entry for this variant (Variation ID: 653618). Invitae Evidence Modeling of protein sequence and biophysical properties (such as structural, functional, and spatial information, amino acid conservation, physicochemical variation, residue mobility, and thermodynamic stability) indicates that this missense variant is expected to disrupt BRCA1 protein function with a positive predictive value of 80%. In summary, the available evidence is currently insufficient to determine the role of this variant in disease. Therefore, it has been classified as a Variant of Uncertain Significance.

Ambry Genetics
Classification: Uncertain significance for Hereditary cancer-predisposing syndrome. Last evaluated: 2025-09-19. Review status: criteria provided, single submitter. Criteria: Ambry Variant Classification Scheme 2023. Collection method: clinical testing. Allele origin: germline.
Comment: The p.N473T variant (also known as c.1418A>C), located in coding exon 9 of the BRCA1 gene, results from an A to C substitution at nucleotide position 1418. The asparagine at codon 473 is replaced by threonine, an amino acid with similar properties. This amino acid position is not well conserved in available vertebrate species. In addition, the in silico prediction for this alteration is inconclusive. Since supporting evidence is limited at this time, the clinical significance of this alteration remains unclear.

University of Washington Department of Laboratory Medicine, University of Washington
Classification: Likely benign for Hereditary cancer-predisposing syndrome. Last evaluated: 2023-03-23. Review status: criteria provided, single submitter. Criteria: Dines et al. (Genet Med. 2020). Collection method: curation. Allele origin: germline.
Comment: Missense variant in a coldspot region where missense variants are very unlikely to be pathogenic (PMID:31911673).

BRCA1 coldspot (exon 11 using historical exon numbering). Reclassification based on statistical prior probability

NM_007294.4(BRCA1):c.1418A>C (p.Asn473Thr)

Gene: BRCA1 (BRCA1 DNA repair associated; minus strand). Cytogenetic location: 17q21.31.
Variant type: single nucleotide variant.
Coding change: c.1418A>C on transcript NM_007294.4 (MANE Select); coding-DNA position 1418, A replaced by C.
Protein change: p.Asn473Thr; replaces asparagine 473 with threonine.
Molecular consequence: missense variant. On other transcripts: intron variant (137).
Genome position (GRCh38, 1-based): chr17:43,094,113, T>G on the plus strand (A>C on the coding strand, the complement: BRCA1 is on the minus strand). VCF-style: chr17-43094113-T-G. GRCh37 (hg19) VCF-style: chr17-41246130-T-G.
Other names: c.646+631A>C (NM_001408455.1, NM_001408466.1, NM_001408452.1 and 11 more transcripts); c.577+631A>C (NM_001408513.1, NM_001408492.1, NM_001408489.1 and 9 more transcripts); c.520+631A>C (NM_001408503.1, NM_001408505.1, NM_001408504.1); c.523+631A>C (NM_001408500.1, NM_001408501.1, NM_001408497.1 and 3 more transcripts); c.787+631A>C (NM_001407990.1, NM_007299.4, NM_001407974.1 and 19 more transcripts); c.664+631A>C (NM_001408430.1, NM_001408427.1, NM_001408443.1 and 12 more transcripts); c.670+1733A>C (NM_001408423.1, NM_001408420.1, NM_001408419.1 and 2 more transcripts); c.643+631A>C (NM_001408468.1, NM_001408465.1, NM_001408463.1 and 3 more transcripts); and 40 more; short protein forms N473T, N426T, N384T, N177T, N305T, N362T, N432T, N345T.
Identifiers: ClinVar variation 653618 (VCV000653618.15), dbSNP rs80357057, ClinGen allele CA10599211.